The following is an entry in ClinVar:

ClinVar aggregate classification (germline): Uncertain significance (1 of 4 stars; one submission).

Submission:

Women's Health and Genetics/Laboratory Corporation of America, LabCorp
Classification: Uncertain significance. Last evaluated: 2024-08-28. Review status: criteria provided, single submitter. Criteria: LabCorp Variant Classification Summary - May 2015. Collection method: clinical testing. Allele origin: germline.
Comment: Variant summary: IVD c.697G>A (p.Gly233Ser) results in a non-conservative amino acid change in the encoded protein sequence. Four of five in-silico tools predict a damaging effect of the variant on protein function. The variant was absent in 251468 control chromosomes. c.697G>A has been reported in the literature in at-least one individual affected with Isovaleryl-CoA Dehydrogenase Deficiency (example: Couce_2017). These data indicate that the variant may be associated with disease. To our knowledge, no experimental evidence demonstrating an impact on protein function has been reported. The following publication has been ascertained in the context of this evaluation (PMID: 27904153). No submitters have cited clinical-significance assessments for this variant to ClinVar. Based on the evidence outlined above, the variant was classified as VUS-possibly pathogenic.

Literature cited by the submitters: PubMed 27904153.

NM_002225.5(IVD):c.697G>A (p.Gly233Ser)

Gene: IVD (isovaleryl-CoA dehydrogenase; plus strand). Cytogenetic location: 15q15.1.
Variant type: single nucleotide variant.
Coding change: c.697G>A on transcript NM_002225.5 (MANE Select); coding-DNA position 697, G replaced by A.
Protein change: p.Gly233Ser; replaces glycine 233 with serine.
Molecular consequence: missense variant. On other transcripts: non-coding transcript variant (1).
Genome position (GRCh38, 1-based): chr15:40,413,000, G>A. VCF-style: chr15-40413000-G-A. GRCh37 (hg19) VCF-style: chr15-40705199-G-A.
Other names: c.607G>A, p.Gly203Ser (NM_001159508.3); c.649G>A, p.Gly217Ser (NM_001354597.3); c.697G>A, p.Gly233Ser (NM_001354598.3, NM_001354601.3); c.784G>A, p.Gly262Ser (NM_001354599.3, NM_001354600.3); short protein forms G203S, G217S, G233S, G262S.
Identifiers: ClinVar variation 3366484 (VCV003366484.1).